The following is an entry in ClinVar:

NM_000268.4(NF2):c.912T>C (p.His304=)

Gene: NF2 (NF2, moesin-ezrin-radixin like (MERLIN) tumor suppressor; plus strand). Cytogenetic location: 22q12.2.
Variant type: single nucleotide variant.
Coding change: c.912T>C on transcript NM_000268.4 (MANE Select); coding-DNA position 912, T replaced by C.
Protein change: p.His304=; no amino-acid change (histidine 304 retained).
Molecular consequence: synonymous variant. On other transcripts: non-coding transcript variant (1), intron variant (1).
Genome position (GRCh38, 1-based): chr22:29,668,359, T>C. VCF-style: chr22-29668359-T-C. GRCh37 (hg19) VCF-style: chr22-30064348-T-C.
Other names: p.His304=; c.912T>C, p.His304= (NM_016418.5, NM_181825.3, NM_181832.3); c.786T>C, p.His262= (NM_181828.3); c.789T>C, p.His263= (NM_181829.3); c.663T>C, p.His221= (NM_181830.3, NM_181831.3); c.447+26074T>C (NM_181833.3).
Identifiers: ClinVar variation 457931 (VCV000457931.58), dbSNP rs200272173, ClinGen allele CA035908.

ClinVar aggregate classification (germline): Benign/Likely benign. Review status: criteria provided, multiple submitters, no conflicts (2 of 4 stars). 8 submissions from 8 submitters: Benign (2); Likely benign (6). Last evaluated 2026-02-01.

Conditions:
Hereditary cancer-predisposing syndrome. Also called: Hereditary neoplastic syndrome; Neoplastic Syndromes, Hereditary; Hereditary Cancer Syndrome; Tumor predisposition. Identifiers: Orphanet 140162, MedGen C0027672, MeSH D009386, MONDO:0015356.
Neurofibromatosis, type 2 (SWNV). Also called: SCHWANNOMATOSIS, VESTIBULAR; NF2-Related Schwannomatosis; BILATERAL ACOUSTIC NEUROFIBROMATOSIS. Identifiers: Orphanet 637, MedGen C0027832, MONDO:0007039, OMIM 101000. Disease mechanism: loss of function.

Allele frequency attached by ClinVar (database versions not stated): ExAC 0.00003; gnomAD 0.00003; gnomAD exomes 0.00004 and 0.00005; ESP Exome Variant Server 0.00008; TOPMed 0.00008.

Submissions (8):

Labcorp Genetics (formerly Invitae), Labcorp
Classification: Likely benign for Neurofibromatosis, type 2. Last evaluated: 2026-02-01. Review status: criteria provided, single submitter. Criteria: Invitae Variant Classification Sherloc (09022015). Collection method: clinical testing. Allele origin: germline.

Mayo Clinic Laboratories, Mayo Clinic
Classification: Benign. Last evaluated: 2025-07-29. Review status: criteria provided, single submitter. Criteria: ACMG Guidelines, 2015. Collection method: clinical testing. Allele origin: germline. Observed: 1 variant allele.
Comment: BS1, BS2, BP4, BP7

CeGaT Center for Human Genetics Tuebingen
Classification: Likely benign. Last evaluated: 2024-12-01. Review status: criteria provided, single submitter. Criteria: CeGaT Center For Human Genetics Tuebingen Variant Classification Criteria Version 2. Collection method: clinical testing. Allele origin: germline. Affected: yes. Observed: 9 variant alleles.
Comment: NF2: BP4, BP7

Blueprint Genetics
Classification: Likely benign. Last evaluated: 2024-11-06. Review status: criteria provided, single submitter. Criteria: ACMG Guidelines, 2015. Collection method: clinical testing. Allele origin: germline.

KCCC/NGS Laboratory, Kuwait Cancer Control Center
Classification: Likely benign for Neurofibromatosis, type 2. Last evaluated: 2023-07-07. Review status: criteria provided, single submitter. Criteria: ACMG Guidelines, 2015. Collection method: clinical testing. Allele origin: germline. Affected: yes.

Color Diagnostics, LLC DBA Color Health
Classification: Likely benign for Neurofibromatosis, type 2. Last evaluated: 2022-11-06. Review status: criteria provided, single submitter. Criteria: ACMG Guidelines, 2015. Collection method: clinical testing. Allele origin: germline.

Sema4
Classification: Benign for Hereditary cancer-predisposing syndrome. Last evaluated: 2021-06-25. Review status: criteria provided, single submitter. Criteria: Sema4 Curation Guidelines. Collection method: curation. Allele origin: germline.

Ambry Genetics
Classification: Likely benign for Hereditary cancer-predisposing syndrome. Last evaluated: 2017-03-31. Review status: criteria provided, single submitter. Criteria: Ambry Variant Classification Scheme 2023. Collection method: clinical testing. Allele origin: germline.